The following is an entry in ClinVar:

NM_024426.6(WT1):c.662-3C>T

Gene: WT1 (WT1 transcription factor; minus strand). Cytogenetic location: 11p13.
Variant type: single nucleotide variant.
Coding change: c.662-3C>T on transcript NM_024426.6 (MANE Select); 3 bases into the intron before coding-DNA position 662, C replaced by T.
Molecular consequence: intron variant.
Genome position (GRCh38, 1-based): chr11:32,428,622, G>A on the plus strand (C>T on the coding strand, the complement: WT1 is on the minus strand). VCF-style: chr11-32428622-G-A. GRCh37 (hg19) VCF-style: chr11-32450168-G-A.
Other names: c.662-564C>T (NM_001407050.1, NM_001407047.1); c.662-3C>T (NM_001407048.1, NM_001407049.1, NM_000378.6 and 4 more transcripts); c.-101-3C>T (NM_001407051.1); c.11-3C>T (NM_001198552.2, NM_001198551.2).
Identifiers: ClinVar variation 1001102 (VCV001001102.8), dbSNP rs1853152059, ClinGen allele CA1962323631.

ClinVar aggregate classification (germline): Uncertain significance (1 of 4 stars; one submission).

Conditions:
Wilms tumor 1 (WT1). Also called: Wilms tumor, somatic. Identifiers: Orphanet 654, MedGen CN033288, MONDO:0008679, OMIM 194070.
11p partial monosomy syndrome (WAGR). Also called: WAGR Complex; WAGR syndrome; WAGR Spectrum Disorder; CHROMOSOME 11p13 DELETION SYNDROME. Identifiers: Orphanet 893, MedGen C0206115, MONDO:0008681, OMIM 194072.
Drash syndrome (DDS). Also called: WILMS TUMOR AND PSEUDO- OR TRUE HERMAPHRODITISM; NEPHROPATHY, WILMS TUMOR, AND GENITAL ANOMALIES. Identifiers: Orphanet 220, MedGen C0950121, MONDO:0008682, OMIM 194080.
Frasier syndrome. Identifiers: Orphanet 347, MedGen C0950122, MeSH D052159, MONDO:0007635, OMIM 136680.

Submission:

Labcorp Genetics (formerly Invitae), Labcorp
Classification: Uncertain significance for Wilms tumor 1; Drash syndrome; 11p partial monosomy syndrome; Frasier syndrome. Last evaluated: 2020-10-19. Review status: criteria provided, single submitter. Criteria: Invitae Variant Classification Sherloc (09022015). Collection method: clinical testing. Allele origin: germline.
Comment: This sequence change falls in intron 1 of the WT1 gene. It does not directly change the encoded amino acid sequence of the WT1 protein. It affects a nucleotide within the consensus splice site of the intron. In summary, the available evidence is currently insufficient to determine the role of this variant in disease. Therefore, it has been classified as a Variant of Uncertain Significance. Nucleotide substitutions within the consensus splice site are a relatively common cause of aberrant splicing (PMID: 17576681, 9536098). Algorithms developed to predict the effect of sequence changes on RNA splicing suggest that this variant may create or strengthen a splice site, but this prediction has not been confirmed by published transcriptional studies. This variant has not been reported in the literature in individuals with WT1-related conditions. This variant is not present in population databases (ExAC no frequency).

Literature cited by the submitters: PubMed 17576681; PubMed 9536098.